The following is an entry in ClinVar:

NM_013275.6(ANKRD11):c.7519C>A (p.Gln2507Lys)

Gene: ANKRD11 (ankyrin repeat domain 11; minus strand). Cytogenetic location: 16q24.3.
Variant type: single nucleotide variant.
Coding change: c.7519C>A on transcript NM_013275.6 (MANE Select); coding-DNA position 7519, C replaced by A.
Protein change: p.Gln2507Lys; replaces glutamine 2507 with lysine.
Molecular consequence: missense variant.
Genome position (GRCh38, 1-based): chr16:89,275,143, G>T on the plus strand (C>A on the coding strand, the complement: ANKRD11 is on the minus strand). VCF-style: chr16-89275143-G-T. GRCh37 (hg19) VCF-style: chr16-89341551-G-T.
Other names: c.7519C>A, p.Gln2507Lys (NM_001256182.2, NM_001256183.2); short protein forms Q2507K.
Identifiers: ClinVar variation 376961 (VCV000376961.13), dbSNP rs572878194, ClinGen allele CA8241118.

ClinVar aggregate classification (germline): Conflicting classifications of pathogenicity. Review status: criteria provided, conflicting classifications (1 of 4 stars). 5 submissions from 5 submitters: Uncertain significance (1); Likely benign (4). Last evaluated 2024-07-08.

Conditions:
Inborn genetic diseases. Identifiers: MedGen C0950123, MeSH D030342.
KBG syndrome (KBGS). Also called: ANKRD11-Related KBG Syndrome. Identifiers: Orphanet 2332, MedGen C0220687, MONDO:0007846, OMIM 148050.

Allele frequency attached by ClinVar (database versions not stated): TOPMed 0.00008; gnomAD 0.00010; 1000 Genomes Project 0.00020; 1000 Genomes Project 30x 0.00031.
gnomAD v4.1: 155 of 1,611,860 alleles (0.0096%); highest among the groups gnomAD compares: Non-Finnish European, 0.012%; no homozygotes.

Submissions (5):

Labcorp Genetics (formerly Invitae), Labcorp
Classification: Uncertain significance for KBG syndrome. Last evaluated: 2024-07-08. Review status: criteria provided, single submitter. Criteria: Invitae Variant Classification Sherloc (09022015). Collection method: clinical testing. Allele origin: germline.
Comment: This sequence change replaces glutamine, which is neutral and polar, with lysine, which is basic and polar, at codon 2507 of the ANKRD11 protein (p.Gln2507Lys). This variant is present in population databases (rs572878194, gnomAD 0.01%). This variant has not been reported in the literature in individuals affected with ANKRD11-related conditions. ClinVar contains an entry for this variant (Variation ID: 376961). Advanced modeling of protein sequence and biophysical properties (such as structural, functional, and spatial information, amino acid conservation, physicochemical variation, residue mobility, and thermodynamic stability) has been performed at Invitae for this missense variant, however the output from this modeling did not meet the statistical confidence thresholds required to predict the impact of this variant on ANKRD11 protein function. In summary, the available evidence is currently insufficient to determine the role of this variant in disease. Therefore, it has been classified as a Variant of Uncertain Significance.

Blueprint Genetics
Classification: Likely benign. Last evaluated: 2023-10-19. Review status: criteria provided, single submitter. Criteria: ACMG Guidelines, 2015. Collection method: clinical testing. Allele origin: germline.

Ambry Genetics
Classification: Likely benign for Inborn genetic diseases. Last evaluated: 2022-08-22. Review status: criteria provided, single submitter. Criteria: Ambry Variant Classification Scheme 2023. Collection method: clinical testing. Allele origin: germline.

GeneDx
Classification: Likely benign. Last evaluated: 2021-06-23. Review status: criteria provided, single submitter. Criteria: GeneDx Variant Classification Process June 2021. Collection method: clinical testing. Allele origin: germline. Affected: yes.
Comment: In silico analysis supports that this missense variant has a deleterious effect on protein structure/function; Has not been previously published as pathogenic or benign to our knowledge

Center for Pediatric Genomic Medicine, Children's Mercy Hospital and Clinics
Classification: Likely benign. Last evaluated: 2016-07-22. Review status: criteria provided, single submitter. Criteria: ACMG Guidelines, 2015. Collection method: clinical testing. Allele origin: germline.
ClinVar note: Converted during submission from Likely Benign to Likely benign.